The following is an entry in ClinVar:

NM_000702.4(ATP1A2):c.2501G>A (p.Arg834Gln)

Gene: ATP1A2 (ATPase Na+/K+ transporting subunit alpha 2; plus strand). Cytogenetic location: 1q23.2.
Variant type: single nucleotide variant.
Coding change: c.2501G>A on transcript NM_000702.4 (MANE Select); coding-DNA position 2501, G replaced by A.
Protein change: p.Arg834Gln; replaces arginine 834 with glutamine.
Molecular consequence: missense variant.
Genome position (GRCh38, 1-based): chr1:160,136,308, G>A. VCF-style: chr1-160136308-G-A. GRCh37 (hg19) VCF-style: chr1-160106098-G-A.
Other names: c.2501G>A (NM_000702.3); short protein forms R834Q.
Identifiers: ClinVar variation 1072573 (VCV001072573.9), dbSNP rs2101995864, ClinGen allele CA343251445.

ClinVar aggregate classification (germline): Pathogenic/Likely pathogenic. Review status: criteria provided, multiple submitters, no conflicts (2 of 4 stars). 3 submissions from 3 submitters: Pathogenic (2); Likely pathogenic (1). Last evaluated 2025-05-17.

Conditions:
ATP1A2-related disorder. Also called: ATP1A2-related condition; ATP1A2-RELATED DISORDERS.
Familial hemiplegic migraine. Identifiers: MedGen C0338484, MONDO:0000700.
Migraine, familial hemiplegic, 2. Identifiers: Orphanet 569, MedGen C1865322, MONDO:0011232, OMIM 602481.

Allele frequency attached by ClinVar (database versions not stated): gnomAD exomes below 0.00001.
gnomAD v4.1: 1 of 1,614,142 alleles (0.000062%); highest among the groups gnomAD compares: Non-Finnish European, 0.000085%; no homozygotes.

Submissions (3):

Labcorp Genetics (formerly Invitae), Labcorp
Classification: Pathogenic for Familial hemiplegic migraine. Last evaluated: 2025-05-17. Review status: criteria provided, single submitter. Criteria: Invitae Variant Classification Sherloc (09022015). Collection method: clinical testing. Allele origin: germline.
Comment: This sequence change replaces arginine, which is basic and polar, with glutamine, which is neutral and polar, at codon 834 of the ATP1A2 protein (p.Arg834Gln). This variant is not present in population databases (gnomAD no frequency). This missense change has been observed in individuals with familial hemiplegic migraine (PMID: 16088919; internal data). It has also been observed to segregate with disease in related individuals. ClinVar contains an entry for this variant (Variation ID: 1072573). Invitae Evidence Modeling of protein sequence and biophysical properties (such as structural, functional, and spatial information, amino acid conservation, physicochemical variation, residue mobility, and thermodynamic stability) has been performed for this missense variant. However, the output from this modeling did not meet the statistical confidence thresholds required to predict the impact of this variant on ATP1A2 protein function. Experimental studies have shown that this missense change affects ATP1A2 function (PMID: 18728015, 22117059, 24704353). For these reasons, this variant has been classified as Pathogenic.

PreventionGenetics, part of Exact Sciences
Classification: Likely pathogenic for ATP1A2-related condition. Last evaluated: 2025-04-07. Review status: criteria provided, single submitter. Criteria: ACMG Guidelines, 2015. Collection method: clinical testing. Allele origin: germline.
Comment: The ATP1A2 c.2501G>A variant is predicted to result in the amino acid substitution p.Arg834Gln. This variant has been reported to segregate with autosomal dominant hemiplegic migraine in one family with 11 affected and 14 unaffected individuals (Riant et al. 2005. PubMed ID: 16088919). In vitro experiments demonstrated this variant impacts protein function (Tavraz et al. 2008. PubMed ID: 18728015; Schack et al. 2011. PubMed ID: 22117059; Weigand et al. 2014. PubMed ID: 24704353). This variant has not been reported in a large population database (gnomAD), indicating this variant is rare. This variant is interpreted as likely pathogenic.

Institute of Human Genetics Munich, TUM University Hospital
Classification: Pathogenic for Migraine, familial hemiplegic, 2. Last evaluated: 2020-12-21. Review status: criteria provided, single submitter. Criteria: Classification criteria August 2017. Collection method: clinical testing. Allele origin: de novo. Inheritance: Autosomal dominant inheritance. Affected: yes. Observed: 1 variant allele.

Literature cited by the submitters: PubMed 16088919 (cited by Labcorp Genetics (formerly Invitae), Labcorp); PubMed 18728015 (cited by Labcorp Genetics (formerly Invitae), Labcorp); PubMed 22117059 (cited by Labcorp Genetics (formerly Invitae), Labcorp); PubMed 24704353 (cited by Labcorp Genetics (formerly Invitae), Labcorp).